The following is an entry in ClinVar:

NM_004560.4(ROR2):c.329T>C (p.Ile110Thr)

Gene: ROR2 (receptor tyrosine kinase like orphan receptor 2; minus strand). Cytogenetic location: 9q22.31.
Variant type: single nucleotide variant.
Coding change: c.329T>C on transcript NM_004560.4 (MANE Select); coding-DNA position 329, T replaced by C.
Protein change: p.Ile110Thr; replaces isoleucine 110 with threonine.
Molecular consequence: missense variant.
Genome position (GRCh38, 1-based): chr9:91,757,406, A>G on the plus strand (T>C on the coding strand, the complement: ROR2 is on the minus strand). VCF-style: chr9-91757406-A-G. GRCh37 (hg19) VCF-style: chr9-94519688-A-G.
Other names: c.329T>C, p.Ile110Thr (NM_001318204.2); short protein forms I110T.
Identifiers: ClinVar variation 1023128 (VCV001023128.8), dbSNP rs1825791727, ClinGen allele CA373840707.

ClinVar aggregate classification (germline): Uncertain significance (1 of 4 stars; one submission).

Submission:

Labcorp Genetics (formerly Invitae), Labcorp
Classification: Uncertain significance. Last evaluated: 2020-05-26. Review status: criteria provided, single submitter. Criteria: Invitae Variant Classification Sherloc (09022015). Collection method: clinical testing. Allele origin: germline.
Comment: Algorithms developed to predict the effect of missense changes on protein structure and function are either unavailable or do not agree on the potential impact of this missense change (SIFT: "Deleterious"; PolyPhen-2: "Benign"; Align-GVGD: "Class C65"). In summary, the available evidence is currently insufficient to determine the role of this variant in disease. Therefore, it has been classified as a Variant of Uncertain Significance. This variant has not been reported in the literature in individuals with ROR2-related conditions. This variant is not present in population databases (ExAC no frequency). This sequence change replaces isoleucine with threonine at codon 110 of the ROR2 protein (p.Ile110Thr). The isoleucine residue is highly conserved and there is a moderate physicochemical difference between isoleucine and threonine.